The following is an entry in ClinVar:

NM_005635.4(SSX1):c.149A>G (p.Tyr50Cys)

Gene: SSX1 (SSX family member 1; plus strand). Cytogenetic location: Xp11.23.
Variant type: single nucleotide variant.
Coding change: c.149A>G on transcript NM_005635.4 (MANE Select); coding-DNA position 149, A replaced by G.
Protein change: p.Tyr50Cys; replaces tyrosine 50 with cysteine.
Molecular consequence: missense variant.
Genome position (GRCh38, 1-based): chrX:48,257,825, A>G. VCF-style: chrX-48257825-A-G. GRCh37 (hg19) VCF-style: chrX-48117260-A-G.
Other names: NC_000023.10:g.48117260A>G; c.149A>G, p.Tyr50Cys (NM_001278691.2); short protein forms Y50C.
Identifiers: ClinVar variation 3043834 (VCV003043834.3), dbSNP rs137896828, ClinGen allele CA10401257.

ClinVar aggregate classification (germline): Likely benign (0 of 4 stars; one submission).

Conditions:
SSX1-related disorder. Also called: SSX1-related condition.

Allele frequency attached by ClinVar (database versions not stated): 1000 Genomes Project 30x 0.00104; 1000 Genomes Project 0.00106; ExAC 0.00235; ESP Exome Variant Server 0.00275.
gnomAD v4.1: 3,078 of 1,201,385 alleles (0.26%); highest among the groups gnomAD compares: Non-Finnish European, 0.28%; 8 homozygotes.

Submissions (3):

PreventionGenetics, part of Exact Sciences
Classification: Likely benign for SSX1-related condition. Last evaluated: 2019-08-20. Review status: no assertion criteria provided. Collection method: clinical testing. Allele origin: germline.
Comment: This variant is classified as likely benign based on ACMG/AMP sequence variant interpretation guidelines (Richards et al. 2015 PMID: 25741868, with internal and published modifications).

Dr. Peter K. Rogan Lab, Western University
No classification provided (evidence only). Condition: Melanoma. Review status: no classification provided. Collection method: in vitro. Allele origin: not applicable. Functional consequence: retained intron. Not counted in ClinVar's aggregate classification.

Dr. Peter K. Rogan Lab, Western University
No classification provided (evidence only). Condition: Malignant tumor of esophagus. Review status: no classification provided. Collection method: in vitro. Allele origin: not applicable. Functional consequence: retained intron. Not counted in ClinVar's aggregate classification.